The following is an entry in ClinVar:

NM_144991.3(TSPEAR):c.1493_1494delinsTG (p.Gly498Val)

Gene: TSPEAR (thrombospondin type laminin G domain and EAR repeats; minus strand). Cytogenetic location: 21q22.3.
Variant type: Indel.
Coding change: c.1493_1494delinsTG on transcript NM_144991.3 (MANE Select); coding-DNA positions 1493 to 1494, GC replaced by TG.
Protein change: p.Gly498Val; replaces glycine 498 with valine.
Molecular consequence: missense variant.
Genome position (GRCh38, 1-based): chr21:44,521,955-44,521,956, GC replaced by CA on the plus strand (GC replaced by TG on the coding strand, the reverse complement: TSPEAR is on the minus strand). VCF-style: chr21-44521955-GC-CA. GRCh37 (hg19) VCF-style: chr21-45941838-GC-CA.
Other names: c.1493_1494delGCinsTG (NM_144991.2); c.1289_1290delinsTG, p.Gly430Val (NM_001272037.2); short protein forms G430V, G498V.
Identifiers: ClinVar variation 1188184 (VCV001188184.15), dbSNP rs2145961078, ClinGen allele CA2499225979.

ClinVar aggregate classification (germline): Conflicting classifications of pathogenicity. Review status: criteria provided, conflicting classifications (1 of 4 stars). 4 submissions from 4 submitters: Pathogenic (2); Likely pathogenic (1); Uncertain significance (1). Last evaluated 2025-12-18.

Conditions:
Autosomal recessive nonsyndromic hearing loss 98. Also called: Deafness, autosomal recessive 98. Identifiers: Orphanet 90636, MedGen C3553932, MONDO:0013929, OMIM 614861.
Tooth agenesis, selective, 10 (STHAG10). Identifiers: MedGen C5774277, MONDO:0859339, OMIM 620173.
Ectodermal dysplasia 14, hair/tooth type with or without hypohidrosis. Identifiers: Orphanet 685067, MedGen C4748560, MONDO:0032584, OMIM 618180.

Submissions (4):

Victorian Clinical Genetics Services, Murdoch Childrens Research Institute
Classification: Likely pathogenic for Ectodermal dysplasia 14, hair/tooth type with or without hypohidrosis. Last evaluated: 2025-12-18. Review status: criteria provided, single submitter. Criteria: ACMG Guidelines, 2015. Collection method: clinical testing. Allele origin: germline. Affected: yes.
Comment: This variant is classified as Likely pathogenic. Evidence in support of pathogenic classification: Variant is present in gnomAD <0.01 for a recessive condition (v4: 412 heterozygote(s), 1 homozygote(s)); This variant has moderate previous evidence of pathogenicity in unrelated individuals. This variant has been classified as pathogenic and as a VUS by clinical laboratories (ClinVar). This variant has been reported in affected individuals presenting with TSPEAR-related phenotypes, in both compound heterozygous and homozygous states (PMIDs: 37009414, 41195743, DECIPHER); Missense variant predicted to be damaging by in silico tool(s) or highly conserved with a major amino acid change. Additional information: Variant is predicted to result in a missense amino acid change from Gly to Val; This gene is associated with autosomal recessive disease; Alternative amino acid change(s) at the same position are present in gnomAD (highest allele count: v4: 32 heterozygote(s), 1 homozygote(s)); No published evidence of segregation with disease has been identified for this variant; No published functional evidence has been identified for this variant; Other missense variant(s) comparable to the one identified in this case have inconclusive previous evidence for pathogenicity. Variants c.1493G>A; p.(Gly498Asp) and c.1492G>A; p.(Gly498Ser) have each been classified as VUS by clinical laboratories (ClinVar); Variant is located in the annotated EPTP domain (DECIPHER); Loss of function is a known mechanism of disease in this gene and is associated with tooth agenesis, selective, 10 (MIM#620173) and ectodermal dysplasia 14, hypohidrotic/hair/tooth/nail type (MIM#618180); Variants in this gene are known to have variable expressivity. Intrafamilial variability has been reported (PMIDs: 37009414, 41163957).

Labcorp Genetics (formerly Invitae), Labcorp
Classification: Pathogenic. Last evaluated: 2025-10-21. Review status: criteria provided, single submitter. Criteria: Invitae Variant Classification Sherloc (09022015). Collection method: clinical testing. Allele origin: germline.
Comment: This sequence change replaces glycine, which is neutral and non-polar, with valine, which is neutral and non-polar, at codon 498 of the TSPEAR protein (p.Gly498Val). This variant is present in population databases (no rsID available, gnomAD 0.009%). This missense change has been observed in individual(s) with ectodermal dysplasia (internal data). In at least one individual the data is consistent with being in trans (on the opposite chromosome) from a pathogenic variant. It has also been observed to segregate with disease in related individuals. ClinVar contains an entry for this variant (Variation ID: 1188184). An algorithm developed to predict the effect of missense changes on protein structure and function (PolyPhen-2) suggests that this variant is likely to be disruptive. For these reasons, this variant has been classified as Pathogenic.

GeneDx
Classification: Pathogenic. Last evaluated: 2025-09-29. Review status: criteria provided, single submitter. Criteria: GeneDx Variant Classification Process June 2021. Collection method: clinical testing. Allele origin: germline. Affected: yes.
Comment: In silico analysis supports a deleterious effect on protein structure/function; This variant is associated with the following publications: (PMID: 37009414)

Medical Genetics, Meyer Children Hospital
Classification: Uncertain significance for Ectodermal dysplasia 14, hair/tooth type with or without hypohidrosis; Autosomal recessive nonsyndromic hearing loss 98; Tooth agenesis, selective, 10. Last evaluated: 2025-08-04. Review status: criteria provided, single submitter. Criteria: ACMG Guidelines, 2015. Collection method: clinical testing. Allele origin: paternal. Affected: yes.
Comment: PM2, PP5, PM3

Literature cited by the submitters: PubMed 37009414 (cited by Victorian Clinical Genetics Services, Murdoch Childrens Research Institute); PubMed 41163957 (cited by Victorian Clinical Genetics Services, Murdoch Childrens Research Institute); PubMed 41195743 (cited by Victorian Clinical Genetics Services, Murdoch Childrens Research Institute).